The following is an entry in ClinVar:

ClinVar aggregate classification (germline): Uncertain significance (1 of 4 stars; one submission).

Conditions:
Neurofibromatosis, type 1 (NF1). Also called: Neurofibromatosis, type I; VON RECKLINGHAUSEN DISEASE; NEUROFIBROMATOSIS, TYPE I, SOMATIC; Peripheral type neurofibromatosis. Identifiers: Orphanet 636, MedGen C0027831, MONDO:0018975, OMIM 162200. Disease mechanism: loss of function.

Submission:

Labcorp Genetics (formerly Invitae), Labcorp
Classification: Uncertain significance for Neurofibromatosis, type 1. Last evaluated: 2023-12-29. Review status: criteria provided, single submitter. Criteria: Invitae Variant Classification Sherloc (09022015). Collection method: clinical testing. Allele origin: germline.
Comment: This sequence change replaces glycine, which is neutral and non-polar, with aspartic acid, which is acidic and polar, at codon 1216 of the NF1 protein (p.Gly1216Asp). This variant is not present in population databases (gnomAD no frequency). This variant has not been reported in the literature in individuals affected with NF1-related conditions. Advanced modeling of protein sequence and biophysical properties (such as structural, functional, and spatial information, amino acid conservation, physicochemical variation, residue mobility, and thermodynamic stability) performed at Invitae indicates that this missense variant is expected to disrupt NF1 protein function with a positive predictive value of 95%. In summary, the available evidence is currently insufficient to determine the role of this variant in disease. Therefore, it has been classified as a Variant of Uncertain Significance.

NM_001042492.3(NF1):c.3647G>A (p.Gly1216Asp)

Gene: NF1 (neurofibromin 1; plus strand). Cytogenetic location: 17q11.2.
Variant type: single nucleotide variant.
Coding change: c.3647G>A on transcript NM_001042492.3 (MANE Select); coding-DNA position 3647, G replaced by A.
Protein change: p.Gly1216Asp; replaces glycine 1216 with aspartic acid.
Molecular consequence: missense variant.
Genome position (GRCh38, 1-based): chr17:31,233,152, G>A. VCF-style: chr17-31233152-G-A. GRCh37 (hg19) VCF-style: chr17-29560170-G-A.
Other names: c.3647G>A, p.Gly1216Asp (NM_000267.4); short protein forms G1216D.
Identifiers: ClinVar variation 2843354 (VCV002843354.3), dbSNP rs2151435683, ClinGen allele CA398990444.
Genomic context (GRCh38, chr17:31,233,152, plus strand): 5'-TTGCAGAAACAGTATTGGCTGATCGGTTTGAGAGATTGGTGGAACTGGTCACAATGATGG[G>A]TGATCAAGGAGAACTCCCTATAGCGATGGCTCTGGCCAATGTGGTTCCTTGTTCTCAGTG-3'
Protein context (NP_001035957.1, residues 1206-1226): ERLVELVTMM[Gly1216Asp]DQGELPIAMA